The following is an entry in ClinVar:

NM_001723.7(DST):c.5604A>G (p.Gln1868=)

Gene: DST (dystonin; minus strand). Cytogenetic location: 6p12.1.
Variant type: single nucleotide variant.
Coding change: c.5604A>G on transcript NM_001723.7 (MANE Plus Clinical); coding-DNA position 5604, A replaced by G.
Protein change: p.Gln1868=; no amino-acid change (glutamine 1868 retained).
Molecular consequence: synonymous variant. On other transcripts: intron variant (10).
Genome position (GRCh38, 1-based): chr6:56,618,430, T>C on the plus strand (A>G on the coding strand, the complement: DST is on the minus strand). VCF-style: chr6-56618430-T-C. GRCh37 (hg19) VCF-style: chr6-56483228-T-C.
Other names: c.4831-3946A>G (NM_001144769.5); c.4930-3946A>G (NM_001374722.1, NM_001374736.1); c.4957-3946A>G (NM_001374734.1); c.4417-3946A>G (NM_001144770.2); c.4297-3946A>G (NM_001374730.1, NM_001386100.1, NM_183380.4 and 1 more transcripts); c.3319-3946A>G (NM_015548.5).
Identifiers: ClinVar variation 541462 (VCV000541462.13), dbSNP rs138838195, ClinGen allele CA3870335.

ClinVar aggregate classification (germline): Likely benign. Review status: criteria provided, multiple submitters, no conflicts (2 of 4 stars). 2 submissions from 2 submitters: Likely benign (2). Last evaluated 2025-11-24.

Conditions:
Epidermolysis bullosa simplex 3, localized or generalized intermediate, with BP230 deficiency (EBS3). Also called: Epidermolysis bullosa simplex due to BP230 deficiency; Epidermolysis bullosa simplex, autosomal recessive 2. Identifiers: Orphanet 412181, MedGen C3809470, MONDO:0014180, OMIM 615425.
Hereditary sensory and autonomic neuropathy type 6. Also called: Neuropathy, hereditary sensory and autonomic, type VI; HSAN VI. Identifiers: Orphanet 314381, MedGen C3539003, MONDO:0013839, OMIM 614653.
DST-related disorder. Also called: DST-related disorders; DST-related condition.

Allele frequency attached by ClinVar (database versions not stated): ExAC 0.00016; gnomAD 0.00039 and 0.00042; ESP Exome Variant Server 0.00046; TOPMed 0.00046; 1000 Genomes Project 0.00060; 1000 Genomes Project 30x 0.00062; gnomAD exomes 0.00004 and 0.00014.
gnomAD v4.1: 121 of 1,614,230 alleles (0.0075%); highest among the groups gnomAD compares: African/African-American, 0.13%; 1 homozygote.

Submissions (2):

PreventionGenetics, part of Exact Sciences
Classification: Likely benign for DST-related condition. Last evaluated: 2025-11-24. Review status: criteria provided, single submitter. Criteria: ACMG Guidelines, 2015. Collection method: clinical testing. Allele origin: germline.
Comment: This variant is classified as likely benign based on ACMG/AMP sequence variant interpretation guidelines (Richards et al. 2015 PMID: 25741868, with internal and published modifications).

Labcorp Genetics (formerly Invitae), Labcorp
Classification: Likely benign for Epidermolysis bullosa simplex 3, localized or generalized intermediate, with BP230 deficiency; Hereditary sensory and autonomic neuropathy type 6. Last evaluated: 2025-07-22. Review status: criteria provided, single submitter. Criteria: Invitae Variant Classification Sherloc (09022015). Collection method: clinical testing. Allele origin: germline.